The following is an entry in ClinVar:

ClinVar aggregate classification (germline): Uncertain significance (1 of 4 stars; one submission).

Conditions:
Chédiak-Higashi syndrome (CHS). Also called: Chediak-Higashi Syndrome. Identifiers: Orphanet 167, MedGen C0007965, MONDO:0008963, OMIM 214500.

Submission:

Labcorp Genetics (formerly Invitae), Labcorp
Classification: Uncertain significance for Chédiak-Higashi syndrome. Last evaluated: 2024-10-16. Review status: criteria provided, single submitter. Criteria: Invitae Variant Classification Sherloc (09022015). Collection method: clinical testing. Allele origin: germline.
Comment: This variant, c.9211_9213del, results in the deletion of 1 amino acid(s) of the LYST protein (p.Glu3071del), but otherwise preserves the integrity of the reading frame. This variant is not present in population databases (gnomAD no frequency). This variant has not been reported in the literature in individuals affected with LYST-related conditions. Experimental studies and prediction algorithms are not available or were not evaluated, and the functional significance of this variant is currently unknown. In summary, the available evidence is currently insufficient to determine the role of this variant in disease. Therefore, it has been classified as a Variant of Uncertain Significance.

NM_000081.4(LYST):c.9208GAA[1] (p.Glu3071del)

Gene: LYST (lysosomal trafficking regulator; minus strand). Cytogenetic location: 1q42.3.
Variant type: Microsatellite.
Coding change: c.9208GAA[1] on transcript NM_000081.4 (MANE Select); one copy of the 3-base unit GAA starting at c.9208; the reference has two copies in a row; one copy, 3 bases deleted.
Protein change: p.Glu3071del; deletes glutamic acid 3071.
Molecular consequence: inframe deletion.
Genome position (GRCh38, 1-based): chr1:235,724,130-235,724,132, TTC deleted on the plus strand (GAA on the coding strand, the reverse complement: LYST is on the minus strand); deleting any 3 consecutive bases within chr1:235,724,130-235,724,135 gives the same sequence; the position shown is the placement nearest the transcript's 3' end. VCF-style (leftmost placement, unchanged base first): chr1-235724129-TTTC-T. GRCh37 (hg19) VCF-style: chr1-235887429-TTTC-T.
Other names: c.9208GAA[1], p.Glu3071del (NM_001301365.1); short protein forms E3071del.
Identifiers: ClinVar variation 2080745 (VCV002080745.4), dbSNP rs2527475026, ClinGen allele CA2574159908.